The following is an entry in ClinVar:

NM_020338.4(ZMIZ1):c.2062C>G (p.Arg688Gly)

Gene: ZMIZ1 (zinc finger MIZ-type containing 1; plus strand). Cytogenetic location: 10q22.3.
Variant type: single nucleotide variant.
Coding change: c.2062C>G on transcript NM_020338.4 (MANE Select); coding-DNA position 2062, C replaced by G.
Protein change: p.Arg688Gly; replaces arginine 688 with glycine.
Molecular consequence: missense variant.
Genome position (GRCh38, 1-based): chr10:79,302,149, C>G. VCF-style: chr10-79302149-C-G. GRCh37 (hg19) VCF-style: chr10-81061906-C-G.
Other names: short protein forms R688G.
Identifiers: ClinVar variation 4074597 (VCV004074597.1).

ClinVar aggregate classification (germline): Uncertain significance (1 of 4 stars; one submission).

gnomAD v4.1: 1 of 1,614,044 alleles (0.000062%); highest among the groups gnomAD compares: Non-Finnish European, 0.000085%; no homozygotes.

Submission:

GeneDx
Classification: Uncertain significance. Last evaluated: 2025-02-09. Review status: criteria provided, single submitter. Criteria: GeneDx Variant Classification Process June 2021. Collection method: clinical testing. Allele origin: germline. Affected: yes.
Comment: Not observed at significant frequency in large population cohorts (gnomAD); In silico analysis supports that this missense variant has a deleterious effect on protein structure/function; Has not been previously published as pathogenic or benign to our knowledge